The following is an entry in ClinVar:

NM_021942.6(TRAPPC11):c.2513A>G (p.Glu838Gly)

Gene: TRAPPC11 (trafficking protein particle complex subunit 11; plus strand). Cytogenetic location: 4q35.1.
Variant type: single nucleotide variant.
Coding change: c.2513A>G on transcript NM_021942.6 (MANE Select); coding-DNA position 2513, A replaced by G.
Protein change: p.Glu838Gly; replaces glutamic acid 838 with glycine.
Molecular consequence: missense variant.
Genome position (GRCh38, 1-based): chr4:183,694,608, A>G. VCF-style: chr4-183694608-A-G. GRCh37 (hg19) VCF-style: chr4-184615761-A-G.
Other names: c.2513A>G, p.Glu838Gly (NM_199053.3); short protein forms E838G.
Identifiers: ClinVar variation 474350 (VCV000474350.9), dbSNP rs1554010221, ClinGen allele CA358872173.

ClinVar aggregate classification (germline): Uncertain significance (1 of 4 stars; one submission).

Conditions:
Autosomal recessive limb-girdle muscular dystrophy type R18 (LGMDR18). Also called: MUSCULAR DYSTROPHY, LIMB-GIRDLE, AUTOSOMAL RECESSIVE 18; Autosomal recessive limb-girdle muscular dystrophy type 2S; Limb-girdle muscular dystrophy, type 2S. Identifiers: Orphanet 369840, MedGen C4517996, MONDO:0014144, OMIM 615356.

Allele frequency attached by ClinVar (database versions not stated): gnomAD exomes below 0.00001; TOPMed below 0.00001.
gnomAD v4.1: 1 of 1,611,144 alleles (0.000062%); highest among the groups gnomAD compares: Admixed American, 0.0017%; no homozygotes.

Submission:

Labcorp Genetics (formerly Invitae), Labcorp
Classification: Uncertain significance for Autosomal recessive limb-girdle muscular dystrophy type R18. Last evaluated: 2022-07-19. Review status: criteria provided, single submitter. Criteria: Invitae Variant Classification Sherloc (09022015). Collection method: clinical testing. Allele origin: germline.
Comment: Algorithms developed to predict the effect of missense changes on protein structure and function (SIFT, PolyPhen-2, Align-GVGD) all suggest that this variant is likely to be tolerated. ClinVar contains an entry for this variant (Variation ID: 474350). This variant has not been reported in the literature in individuals affected with TRAPPC11-related conditions. This variant is not present in population databases (gnomAD no frequency). This sequence change replaces glutamic acid, which is acidic and polar, with glycine, which is neutral and non-polar, at codon 838 of the TRAPPC11 protein (p.Glu838Gly). In summary, the available evidence is currently insufficient to determine the role of this variant in disease. Therefore, it has been classified as a Variant of Uncertain Significance.